The following is an entry in ClinVar:

NM_000702.4(ATP1A2):c.286G>A (p.Gly96Arg)

Gene: ATP1A2 (ATPase Na+/K+ transporting subunit alpha 2; plus strand). Cytogenetic location: 1q23.2.
Variant type: single nucleotide variant.
Coding change: c.286G>A on transcript NM_000702.4 (MANE Select); coding-DNA position 286, G replaced by A.
Protein change: p.Gly96Arg; replaces glycine 96 with arginine.
Molecular consequence: missense variant.
Genome position (GRCh38, 1-based): chr1:160,123,321, G>A. VCF-style: chr1-160123321-G-A. GRCh37 (hg19) VCF-style: chr1-160093111-G-A.
Other names: short protein forms G96R.
Identifiers: ClinVar variation 2808062 (VCV002808062.5), dbSNP rs1558003432, ClinGen allele CA343231208.

ClinVar aggregate classification (germline): Uncertain significance. Review status: criteria provided, multiple submitters, no conflicts (2 of 4 stars). 2 submissions from 2 submitters: Uncertain significance (2). Last evaluated 2024-03-21.

Conditions:
Familial hemiplegic migraine. Identifiers: MedGen C0338484, MONDO:0000700.

Allele frequency attached by ClinVar (database versions not stated): TOPMed below 0.00001.

Submissions (2):

Women's Health and Genetics/Laboratory Corporation of America, LabCorp
Classification: Uncertain significance. Last evaluated: 2024-03-21. Review status: criteria provided, single submitter. Criteria: LabCorp Variant Classification Summary - May 2015. Collection method: clinical testing. Allele origin: germline.
Comment: Variant summary: ATP1A2 c.286G>A (p.Gly96Arg) results in a non-conservative amino acid change located in the cation-transporting P-type ATPase, N-terminal domain (IPR004014) of the encoded protein sequence. Five of five in-silico tools predict a damaging effect of the variant on protein function. The variant was absent in 251482 control chromosomes. The available data on variant occurrences in the general population are insufficient to allow any conclusion about variant significance. c.286G>A has been reported in the literature in individuals affected with developmental delay (e.g., Kaplanis_2020, Zhou_2022). However, these report(s) do not provide unequivocal conclusions about association of the variant with Alternating Hemiplegia Of Childhood 1. To our knowledge, no experimental evidence demonstrating an impact on protein function has been reported. The following publications have been ascertained in the context of this evaluation (PMID: 33057194, 35982159). ClinVar contains an entry for this variant (Variation ID:2808062). Based on the evidence outlined above, the variant was classified as uncertain significance.

Labcorp Genetics (formerly Invitae), Labcorp
Classification: Uncertain significance for Familial hemiplegic migraine. Last evaluated: 2023-04-26. Review status: criteria provided, single submitter. Criteria: Invitae Variant Classification Sherloc (09022015). Collection method: clinical testing. Allele origin: germline.
Comment: In summary, the available evidence is currently insufficient to determine the role of this variant in disease. Therefore, it has been classified as a Variant of Uncertain Significance. This sequence change replaces glycine, which is neutral and non-polar, with arginine, which is basic and polar, at codon 96 of the ATP1A2 protein (p.Gly96Arg). This variant is not present in population databases (gnomAD no frequency). This variant has not been reported in the literature in individuals affected with ATP1A2-related conditions. Advanced modeling of protein sequence and biophysical properties (such as structural, functional, and spatial information, amino acid conservation, physicochemical variation, residue mobility, and thermodynamic stability) performed at Invitae indicates that this missense variant is expected to disrupt ATP1A2 protein function.

Literature cited by the submitters: PubMed 35982159 (cited by Women's Health and Genetics/Laboratory Corporation of America, LabCorp); PubMed 33057194 (cited by Women's Health and Genetics/Laboratory Corporation of America, LabCorp).